The following is an entry in ClinVar:

NM_000548.5(TSC2):c.5259+8A>G

Gene: TSC2 (TSC complex subunit 2; plus strand). Cytogenetic location: 16p13.3.
Variant type: single nucleotide variant.
Coding change: c.5259+8A>G on transcript NM_000548.5 (MANE Select); 8 bases into the intron after coding-DNA position 5259, A replaced by G.
Molecular consequence: intron variant.
Genome position (GRCh38, 1-based): chr16:2,088,333, A>G. VCF-style: chr16-2088333-A-G. GRCh37 (hg19) VCF-style: chr16-2138334-A-G.
Other names: c.5190+8A>G (NM_001114382.3); c.5130+8A>G (NM_021055.3); c.5118+8A>G (NM_001370405.1); c.5061+8A>G (NM_001363528.2); c.5127+8A>G (NM_001370404.1); c.5058+8A>G (NM_001077183.3); c.4950+8A>G (NM_001318827.2); c.4527+8A>G (NM_001318831.2); and 2 more.
Identifiers: ClinVar variation 854770 (VCV000854770.9), dbSNP rs912835683, ClinGen allele CA620705070.

ClinVar aggregate classification (germline): Likely benign. Review status: criteria provided, multiple submitters, no conflicts (2 of 4 stars). 3 submissions from 3 submitters: Likely benign (3). Last evaluated 2025-09-29.

Conditions:
Tuberous sclerosis 2 (TSC2). Identifiers: Orphanet 805, MedGen C1860707, MONDO:0013199, OMIM 613254.

Allele frequency attached by ClinVar (database versions not stated): TOPMed 0.00001.

Submissions (3):

Labcorp Genetics (formerly Invitae), Labcorp
Classification: Likely benign for Tuberous sclerosis 2. Last evaluated: 2025-09-29. Review status: criteria provided, single submitter. Criteria: Invitae Variant Classification Sherloc (09022015). Collection method: clinical testing. Allele origin: germline.

Myriad Genetics, Inc.
Classification: Likely benign for Tuberous sclerosis 2. Last evaluated: 2025-06-06. Review status: criteria provided, single submitter. Criteria: Myriad Autosomal Dominant, Autosomal Recessive and X-Linked Classification Criteria (2023). Collection method: clinical testing. Allele origin: unknown.
Comment: This variant is considered likely benign. This variant is intronic and is not expected to impact mRNA splicing.

Blueprint Genetics
Classification: Likely benign. Last evaluated: 2022-08-30. Review status: criteria provided, single submitter. Criteria: ACMG Guidelines, 2015. Collection method: clinical testing. Allele origin: germline.